The following is an entry in ClinVar:

NM_002769.5(PRSS1):c.230A>G (p.Asn77Ser)

Genes: PRSS1 (serine protease 1; plus strand), TRB (T cell receptor beta locus; plus strand). Cytogenetic location: 7q34.
Variant type: single nucleotide variant.
Coding change: c.230A>G on transcript NM_002769.5 (MANE Select); coding-DNA position 230, A replaced by G.
Protein change: p.Asn77Ser; replaces asparagine 77 with serine.
Molecular consequence: missense variant. On other transcripts: non-coding transcript variant (2).
Genome position (GRCh38, 1-based): chr7:142,751,803, A>G. VCF-style: chr7-142751803-A-G. GRCh37 (hg19) VCF-style: chr7-142459654-A-G.
Other names: short protein forms N77S.
Identifiers: ClinVar variation 3939045 (VCV003939045.1).
Genomic context (GRCh38, chr7:142,751,803, plus strand): 5'-AGGTCTTCACCATGCCTGCCCTGCCCATCAGCCGCATCCAGGTGAGACTGGGAGAGCACA[A>G]CATCGAAGTCCTGGAGGGGAATGAGCAGTTCATCAATGCAGCCAAGATCATCCGCCACCC-3'
Protein context (NP_002760.1, residues 67-87): SRIQVRLGEH[Asn77Ser]IEVLEGNEQF

ClinVar aggregate classification (germline): Uncertain significance (1 of 4 stars; one submission).

Conditions:
Hereditary pancreatitis (PCTT). Also called: Hereditary chronic pancreatitis; PRSS1-Related Hereditary Pancreatitis. Identifiers: Orphanet 676, MedGen C0238339, MONDO:0008185, OMIM 167800.

Submission:

Ambry Genetics
Classification: Uncertain significance for Hereditary pancreatitis. Last evaluated: 2025-04-04. Review status: criteria provided, single submitter. Criteria: Ambry Variant Classification Scheme 2023. Collection method: clinical testing. Allele origin: germline.
Comment: The p.N77S variant (also known as c.230A>G), located in coding exon 3 of the PRSS1 gene, results from an A to G substitution at nucleotide position 230. The asparagine at codon 77 is replaced by serine, an amino acid with highly similar properties. This amino acid position is conserved. In addition, the in silico prediction for this alteration is inconclusive. Based on the available evidence, the clinical significance of this variant remains unclear.